The following is an entry in ClinVar:

ClinVar aggregate classification (germline): Uncertain significance (1 of 4 stars; one submission).

Conditions:
Early-infantile DEE. Also called: Early infantile epileptic encephalopathy; Ohtahara syndrome; Early infantile epileptic encephalopathy with suppression bursts. Identifiers: Orphanet 1934, MedGen C0393706, MONDO:0800491.

Submission:

Labcorp Genetics (formerly Invitae), Labcorp
Classification: Uncertain significance for Early-infantile DEE. Last evaluated: 2025-07-14. Review status: criteria provided, single submitter. Criteria: Invitae Variant Classification Sherloc (09022015). Collection method: clinical testing. Allele origin: germline.
Comment: This sequence change replaces arginine, which is basic and polar, with glycine, which is neutral and non-polar, at codon 569 of the SCN8A protein (p.Arg569Gly). This variant is not present in population databases (gnomAD no frequency). This variant has not been reported in the literature in individuals affected with SCN8A-related conditions. Invitae Evidence Modeling of protein sequence and biophysical properties (such as structural, functional, and spatial information, amino acid conservation, physicochemical variation, residue mobility, and thermodynamic stability) indicates that this missense variant is not expected to disrupt SCN8A protein function with a negative predictive value of 95%. In summary, the available evidence is currently insufficient to determine the role of this variant in disease. Therefore, it has been classified as a Variant of Uncertain Significance.

NM_001330260.2(SCN8A):c.1705A>G (p.Arg569Gly)

Gene: SCN8A (sodium voltage-gated channel alpha subunit 8; plus strand). Cytogenetic location: 12q13.13.
Variant type: single nucleotide variant.
Coding change: c.1705A>G on transcript NM_001330260.2 (MANE Select); coding-DNA position 1705, A replaced by G.
Protein change: p.Arg569Gly; replaces arginine 569 with glycine.
Molecular consequence: missense variant.
Genome position (GRCh38, 1-based): chr12:51,721,615, A>G. VCF-style: chr12-51721615-A-G. GRCh37 (hg19) VCF-style: chr12-52115399-A-G.
Other names: c.1705A>G, p.Arg569Gly (NM_001177984.3, NM_001369788.1, NM_014191.4); short protein forms R569G.
Identifiers: ClinVar variation 4694013 (VCV004694013.1).
Genomic context (GRCh38, chr12:51,721,615, plus strand): 5'-AGCATCCCAGGCTCGCCCTTCCTCTCCCGCCACAACAGCAAGAGCAGCATCTTCAGTTTC[A>G]GGGGACCTGGGCGGTTCCGAGACCCGGGCTCCGAGAATGAGTTCGCGGATGACGAGCACA-3'
Protein context (NP_001317189.1, residues 559-579): HNSKSSIFSF[Arg569Gly]GPGRFRDPGS